The following is an entry in ClinVar:

NM_000171.4(GLRA1):c.1248C>G (p.Asp416Glu)

Gene: GLRA1 (glycine receptor alpha 1; minus strand). Cytogenetic location: 5q33.1.
Variant type: single nucleotide variant.
Coding change: c.1248C>G on transcript NM_000171.4 (MANE Select); coding-DNA position 1248, C replaced by G.
Protein change: p.Asp416Glu; replaces aspartic acid 416 with glutamic acid.
Molecular consequence: missense variant.
Genome position (GRCh38, 1-based): chr5:151,822,775, G>C on the plus strand (C>G on the coding strand, the complement: GLRA1 is on the minus strand). VCF-style: chr5-151822775-G-C. GRCh37 (hg19) VCF-style: chr5-151202336-G-C.
Other names: c.1272C>G, p.Asp424Glu (NM_001146040.2); c.999C>G, p.Asp333Glu (NM_001292000.2); short protein forms D416E, D333E, D424E.
Identifiers: ClinVar variation 3656395 (VCV003656395.2).

ClinVar aggregate classification (germline): Uncertain significance (1 of 4 stars; one submission).

Conditions:
Hereditary hyperekplexia. Identifiers: Orphanet 3197, MedGen C4084968, MONDO:0021022.

Submission:

Labcorp Genetics (formerly Invitae), Labcorp
Classification: Uncertain significance for Hereditary hyperekplexia. Last evaluated: 2024-10-03. Review status: criteria provided, single submitter. Criteria: Invitae Variant Classification Sherloc (09022015). Collection method: clinical testing. Allele origin: germline.
Comment: This sequence change replaces aspartic acid, which is acidic and polar, with glutamic acid, which is acidic and polar, at codon 416 of the GLRA1 protein (p.Asp416Glu). This variant is present in population databases (rs774768185, gnomAD 0.0009%). This variant has not been reported in the literature in individuals affected with GLRA1-related conditions. Invitae Evidence Modeling of protein sequence and biophysical properties (such as structural, functional, and spatial information, amino acid conservation, physicochemical variation, residue mobility, and thermodynamic stability) has been performed for this missense variant. However, the output from this modeling did not meet the statistical confidence thresholds required to predict the impact of this variant on GLRA1 protein function. This variant disrupts the p.Asp416 amino acid residue in GLRA1. Other variant(s) that disrupt this residue have been determined to be pathogenic (PMID: 28985719). This suggests that this residue is clinically significant, and that variants that disrupt this residue are likely to be disease-causing. In summary, the available evidence is currently insufficient to determine the role of this variant in disease. Therefore, it has been classified as a Variant of Uncertain Significance.

Literature cited by the submitters: PubMed 28985719.